The following is an entry in ClinVar:

NM_025099.6(CTC1):c.990C>A (p.Asp330Glu)

Gene: CTC1 (CST telomere replication complex component 1; minus strand). Cytogenetic location: 17p13.1.
Variant type: single nucleotide variant.
Coding change: c.990C>A on transcript NM_025099.6 (MANE Select); coding-DNA position 990, C replaced by A.
Protein change: p.Asp330Glu; replaces aspartic acid 330 with glutamic acid.
Molecular consequence: missense variant. On other transcripts: non-coding transcript variant (1).
Genome position (GRCh38, 1-based): chr17:8,236,145, G>T on the plus strand (C>A on the coding strand, the complement: CTC1 is on the minus strand). VCF-style: chr17-8236145-G-T. GRCh37 (hg19) VCF-style: chr17-8139463-G-T.
Other names: c.990C>A, p.Asp330Glu (NM_001411067.1); short protein forms D330E.
Identifiers: ClinVar variation 3686217 (VCV003686217.2).

ClinVar aggregate classification (germline): Uncertain significance (1 of 4 stars; one submission).

Conditions:
Dyskeratosis congenita. Identifiers: Orphanet 1775, MedGen C0265965, MONDO:0015780.

Submission:

Labcorp Genetics (formerly Invitae), Labcorp
Classification: Uncertain significance for Dyskeratosis congenita. Last evaluated: 2024-07-09. Review status: criteria provided, single submitter. Criteria: Invitae Variant Classification Sherloc (09022015). Collection method: clinical testing. Allele origin: germline.
Comment: This sequence change replaces aspartic acid, which is acidic and polar, with glutamic acid, which is acidic and polar, at codon 330 of the CTC1 protein (p.Asp330Glu). This variant is not present in population databases (gnomAD no frequency). This variant has not been reported in the literature in individuals affected with CTC1-related conditions. An algorithm developed to predict the effect of missense changes on protein structure and function outputs the following: PolyPhen-2: "Benign". The glutamic acid amino acid residue is found in multiple mammalian species, which suggests that this missense change does not adversely affect protein function. In summary, the available evidence is currently insufficient to determine the role of this variant in disease. Therefore, it has been classified as a Variant of Uncertain Significance.